The following is an entry in ClinVar:

ClinVar aggregate classification (germline): Uncertain significance (1 of 4 stars; one submission).

Conditions:
Fanconi anemia complementation group E (FANCE). Also called: FANCE-Related Fanconi Anemia. Identifiers: Orphanet 84, MedGen C3160739, MONDO:0010953, OMIM 600901.

Allele frequency attached by ClinVar (database versions not stated): TOPMed 0.00001.

Submission:

Labcorp Genetics (formerly Invitae), Labcorp
Classification: Uncertain significance for Fanconi anemia complementation group E. Last evaluated: 2018-09-13. Review status: criteria provided, single submitter. Criteria: Invitae Variant Classification Sherloc (09022015). Collection method: clinical testing. Allele origin: germline.
Comment: In summary, the available evidence is currently insufficient to determine the role of this variant in disease. Therefore, it has been classified as a Variant of Uncertain Significance. Algorithms developed to predict the effect of missense changes on protein structure and function are either unavailable or do not agree on the potential impact of this missense change (SIFT: "Tolerated"; PolyPhen-2: "Possibly Damaging"; Align-GVGD: "Class C0"). This variant has not been reported in the literature in individuals with FANCE-related disease. This variant is not present in population databases (ExAC no frequency). This sequence change replaces tyrosine with phenylalanine at codon 489 of the FANCE protein (p.Tyr489Phe). The tyrosine residue is moderately conserved and there is a small physicochemical difference between tyrosine and phenylalanine.

NM_021922.3(FANCE):c.1466A>T (p.Tyr489Phe)

Gene: FANCE (FA complementation group E; plus strand). Cytogenetic location: 6p21.31.
Variant type: single nucleotide variant.
Coding change: c.1466A>T on transcript NM_021922.3 (MANE Select); coding-DNA position 1466, A replaced by T.
Protein change: p.Tyr489Phe; replaces tyrosine 489 with phenylalanine.
Molecular consequence: missense variant.
Genome position (GRCh38, 1-based): chr6:35,462,871, A>T. VCF-style: chr6-35462871-A-T. GRCh37 (hg19) VCF-style: chr6-35430648-A-T.
Other names: short protein forms Y489F.
Identifiers: ClinVar variation 660850 (VCV000660850.6), dbSNP rs1345207143, ClinGen allele CA363778016.
Genomic context (GRCh38, chr6:35,462,871, plus strand): 5'-TCAGTGTCTTAATGGAGAAGCTCTGTAAAAAGGGGCTGGCAGCCACCACCTCCATGGCCT[A>T]TGCCAAGCTCATGCTGACAGTGATGACCAAGTATCAGGCTAACGTGAGTATTGATAGGGC-3'
Protein context (NP_068741.1, residues 479-499): KGLAATTSMA[Tyr489Phe]AKLMLTVMTK